The following is an entry in ClinVar:

NM_015072.5(TTLL5):c.1915G>A (p.Glu639Lys)

Gene: TTLL5 (tubulin tyrosine ligase like 5; plus strand). Cytogenetic location: 14q24.3.
Variant type: single nucleotide variant.
Coding change: c.1915G>A on transcript NM_015072.5 (MANE Select); coding-DNA position 1915, G replaced by A.
Protein change: p.Glu639Lys; replaces glutamic acid 639 with lysine.
Molecular consequence: missense variant.
Genome position (GRCh38, 1-based): chr14:75,766,268, G>A. VCF-style: chr14-75766268-G-A. GRCh37 (hg19) VCF-style: chr14-76232611-G-A.
Other names: short protein forms E639K.
Identifiers: ClinVar variation 939780 (VCV000939780.8), dbSNP rs150898821, ClinGen allele CA7279554.
Genomic context (GRCh38, chr14:75,766,268, plus strand): 5'-ACACCCTCATTGACAGCTTTGGTAGAAAATACACCCAAAGAAAATTCCATGAAAGTTCGT[G>A]AATGGAATAATAAAGGTGGACACTGCTGCAAACTTGAGACTCAGGAGCTAGAGCCTAAAT-3'
Protein context (NP_055887.3, residues 629-649): TPKENSMKVR[Glu639Lys]WNNKGGHCCK

ClinVar aggregate classification (germline): Uncertain significance (1 of 4 stars; one submission).

Allele frequency attached by ClinVar (database versions not stated): gnomAD exomes below 0.00001 and 0.00001; ExAC 0.00001; gnomAD 0.00002 and 0.00003; TOPMed 0.00002; 1000 Genomes Project 30x 0.00016; 1000 Genomes Project 0.00020.
gnomAD v4.1: 5 of 1,614,058 alleles (0.00031%); highest among the groups gnomAD compares: African/African-American, 0.0067%; no homozygotes.

Submission:

Labcorp Genetics (formerly Invitae), Labcorp
Classification: Uncertain significance. Last evaluated: 2019-09-06. Review status: criteria provided, single submitter. Criteria: Invitae Variant Classification Sherloc (09022015). Collection method: clinical testing. Allele origin: germline.
Comment: In summary, the available evidence is currently insufficient to determine the role of this variant in disease. Therefore, it has been classified as a Variant of Uncertain Significance. Algorithms developed to predict the effect of missense changes on protein structure and function (SIFT, PolyPhen-2, Align-GVGD) all suggest that this variant is likely to be tolerated, but these predictions have not been confirmed by published functional studies and their clinical significance is uncertain. This variant has not been reported in the literature in individuals with TTLL5-related conditions. This variant is present in population databases (rs150898821, ExAC 0.01%). This sequence change replaces glutamic acid with lysine at codon 639 of the TTLL5 protein (p.Glu639Lys). The glutamic acid residue is weakly conserved and there is a small physicochemical difference between glutamic acid and lysine.